The following is an entry in ClinVar:

NM_006231.4(POLE):c.427A>G (p.Asn143Asp)

Gene: POLE (DNA polymerase epsilon, catalytic subunit; minus strand). Cytogenetic location: 12q24.33.
Variant type: single nucleotide variant.
Coding change: c.427A>G on transcript NM_006231.4 (MANE Select); coding-DNA position 427, A replaced by G.
Protein change: p.Asn143Asp; replaces asparagine 143 with aspartic acid.
Molecular consequence: missense variant.
Genome position (GRCh38, 1-based): chr12:132,679,648, T>C on the plus strand (A>G on the coding strand, the complement: POLE is on the minus strand). VCF-style: chr12-132679648-T-C. GRCh37 (hg19) VCF-style: chr12-133256234-T-C.
Other names: short protein forms N143D.
Identifiers: ClinVar variation 581869 (VCV000581869.16), dbSNP rs889470853, ClinGen allele CA16040483.
Genomic context (GRCh38, chr12:132,679,648, plus strand): 5'-GATCCTCCACAGTGTGGAAGGACAGCCTGATGTAATTTCGCTTCAAACCCACCAAGTGAT[T>C]TGGCTATAATGCGAAGAGATCACGCTCATTGGTTCAAGAGAAATAGGACTTTATGGGTGA-3'
Protein context (NP_006222.2, residues 133-153): TVPKEDLDLP[Asn143Asp]HLVGLKRNYI

ClinVar aggregate classification (germline): Uncertain significance. Review status: criteria provided, multiple submitters, no conflicts (2 of 4 stars). 6 submissions from 6 submitters: Uncertain significance (6). Last evaluated 2026-01-13.

Conditions:
Hereditary cancer-predisposing syndrome. Also called: Neoplastic Syndromes, Hereditary; Hereditary Cancer Syndrome; Hereditary neoplastic syndrome; Tumor predisposition. Identifiers: Orphanet 140162, MedGen C0027672, MeSH D009386, MONDO:0015356.

Allele frequency attached by ClinVar (database versions not stated): TOPMed 0.00001.
gnomAD v4.1: 23 of 1,608,660 alleles (0.0014%); highest among the groups gnomAD compares: Non-Finnish European, 0.0019%; no homozygotes.

Submissions (6):

Labcorp Genetics (formerly Invitae), Labcorp
Classification: Uncertain significance. Last evaluated: 2026-01-13. Review status: criteria provided, single submitter. Criteria: Invitae Variant Classification Sherloc (09022015). Collection method: clinical testing. Allele origin: germline.
Comment: This sequence change replaces asparagine, which is neutral and polar, with aspartic acid, which is acidic and polar, at codon 143 of the POLE protein (p.Asn143Asp). This variant is not present in population databases (gnomAD no frequency). This missense change has been observed in individual(s) with colorectal cancer (PMID: 29212164). ClinVar contains an entry for this variant (Variation ID: 581869). Invitae Evidence Modeling of protein sequence and biophysical properties (such as structural, functional, and spatial information, amino acid conservation, physicochemical variation, residue mobility, and thermodynamic stability) has been performed for this missense variant. However, the output from this modeling did not meet the statistical confidence thresholds required to predict the impact of this variant on POLE protein function. RNA analysis performed to evaluate the impact of this missense change on mRNA splicing indicates it does not significantly alter splicing (internal data). In summary, the available evidence is currently insufficient to determine the role of this variant in disease. Therefore, it has been classified as a Variant of Uncertain Significance.

Dasa
Classification: Uncertain significance. Last evaluated: 2025-05-06. Review status: criteria provided, single submitter. Criteria: DASA Assertion Criteria. Collection method: clinical testing. Allele origin: germline.
Comment: NM_006231.4(POLE):c.427A>G (p.Asn143Asp) is a missense variant that results in the substitution of asparagine with aspartic acid. This variant is rare in population databases. Computational prediction algorithms are consistent with a deleterious effect. The currently available literature and clinical evidence are not sufficient to establish a definitive association between this variant and the reported condition. Therefore, this variant is classified as a variant of uncertain significance.

Ambry Genetics
Classification: Uncertain significance for Hereditary cancer-predisposing syndrome. Last evaluated: 2025-03-27. Review status: criteria provided, single submitter. Criteria: Ambry Variant Classification Scheme 2023. Collection method: clinical testing. Allele origin: germline.
Comment: The p.N143D variant (also known as c.427A>G), located in coding exon 6 of the POLE gene, results from an A to G substitution at nucleotide position 427. The asparagine at codon 143 is replaced by aspartic acid, an amino acid with highly similar properties. This amino acid position is highly conserved in available vertebrate species. In addition, this alteration is predicted to be tolerated by in silico analysis. Based on the available evidence, the clinical significance of this variant remains unclear.

GeneDx
Classification: Uncertain significance. Last evaluated: 2022-12-13. Review status: criteria provided, single submitter. Criteria: GeneDx Variant Classification Process June 2021. Collection method: clinical testing. Allele origin: germline. Affected: yes.
Comment: Not observed at significant frequency in large population cohorts (gnomAD); In silico analysis supports that this missense variant has a deleterious effect on protein structure/function; In silico analysis supports a deleterious effect on splicing; Observed in an individual with a personal and family history of colon cancer and/or polyps (Raskin et al., 2017); This variant is associated with the following publications: (PMID: 29212164)

Mendelics
Classification: Uncertain significance. Last evaluated: 2022-05-04. Review status: criteria provided, single submitter. Criteria: Mendelics Assertion Criteria 2019. Collection method: clinical testing. Allele origin: germline.

Quest Diagnostics Nichols Institute San Juan Capistrano
Classification: Uncertain significance. Last evaluated: 2017-10-16. Review status: criteria provided, single submitter. Criteria: Quest Diagnostics criteria. Collection method: clinical testing. Allele origin: germline.

Literature cited by the submitters: PubMed 29212164 (cited by Labcorp Genetics (formerly Invitae), Labcorp).